The following is an entry in ClinVar:

NM_018993.4(RIN2):c.217C>T (p.Arg73Trp)

Gene: RIN2 (Ras and Rab interactor 2; plus strand). Cytogenetic location: 20p11.23.
Variant type: single nucleotide variant.
Coding change: c.217C>T on transcript NM_018993.4 (MANE Select); coding-DNA position 217, C replaced by T.
Protein change: p.Arg73Trp; replaces arginine 73 with tryptophan.
Molecular consequence: missense variant. On other transcripts: 5 prime UTR variant (1).
Genome position (GRCh38, 1-based): chr20:19,956,673, C>T. VCF-style: chr20-19956673-C-T. GRCh37 (hg19) VCF-style: chr20-19937317-C-T.
Other names: c.364C>T, p.Arg122Trp (NM_001242581.2); c.-329C>T (NM_001378238.1); short protein forms R73W, R122W.
Identifiers: ClinVar variation 624190 (VCV000624190.52), dbSNP rs372531454, ClinGen allele CA9779765.

ClinVar aggregate classification (germline): Uncertain significance. Review status: criteria provided, multiple submitters, no conflicts (2 of 4 stars). 5 submissions from 5 submitters: Uncertain significance (5). Last evaluated 2024-02-28.

Conditions:
Inborn genetic diseases. Identifiers: MedGen C0950123, MeSH D030342.

Allele frequency attached by ClinVar (database versions not stated): gnomAD 0.00009; ESP Exome Variant Server 0.00016; gnomAD exomes 0.00018; ExAC 0.00022; TOPMed 0.00027.
gnomAD v4.1: 238 of 1,612,932 alleles (0.015%); highest among the groups gnomAD compares: Middle Eastern, 0.082%; 2 homozygotes.

Submissions (5):

Ambry Genetics
Classification: Uncertain significance for Inborn genetic diseases. Last evaluated: 2024-02-28. Review status: criteria provided, single submitter. Criteria: Ambry Variant Classification Scheme 2023. Collection method: clinical testing. Allele origin: germline.

GeneDx
Classification: Uncertain significance. Last evaluated: 2024-02-22. Review status: criteria provided, single submitter. Criteria: GeneDx Variant Classification Process June 2021. Collection method: clinical testing. Allele origin: germline. Affected: yes.
Comment: In silico analysis supports that this missense variant has a deleterious effect on protein structure/function; Has not been previously published as pathogenic or benign to our knowledge

Labcorp Genetics (formerly Invitae), Labcorp
Classification: Uncertain significance. Last evaluated: 2023-12-04. Review status: criteria provided, single submitter. Criteria: Invitae Variant Classification Sherloc (09022015). Collection method: clinical testing. Allele origin: germline.
Comment: This sequence change replaces arginine, which is basic and polar, with tryptophan, which is neutral and slightly polar, at codon 73 of the RIN2 protein (p.Arg73Trp). This variant is present in population databases (rs372531454, gnomAD 0.03%). This variant has not been reported in the literature in individuals affected with RIN2-related conditions. ClinVar contains an entry for this variant (Variation ID: 624190). Experimental studies and prediction algorithms are not available or were not evaluated, and the functional significance of this variant is currently unknown. In summary, the available evidence is currently insufficient to determine the role of this variant in disease. Therefore, it has been classified as a Variant of Uncertain Significance.

CeGaT Center for Human Genetics Tuebingen
Classification: Uncertain significance. Last evaluated: 2018-07-01. Review status: criteria provided, single submitter. Criteria: CeGaT Center For Human Genetics Tuebingen Variant Classification Criteria Version 2. Collection method: clinical testing. Allele origin: germline. Affected: yes. Observed: 1 variant allele.

Breakthrough Genomics
Classification: Uncertain significance. Review status: criteria provided, single submitter. Criteria: ACMG Guidelines, 2015. Collection method: not provided. Allele origin: germline. Inheritance: Autosomal dominant inheritance. Affected: yes.